The following is an entry in ClinVar:

NM_001987.5(ETV6):c.1152+5A>G

Genes: ETV6 (ETS variant transcription factor 6; plus strand), LOC126861452 (CDK7 strongly-dependent group 2 enhancer GRCh37_chr12:12037195-12038394; plus strand). Cytogenetic location: 12p13.2.
Variant type: single nucleotide variant.
Coding change: c.1152+5A>G on transcript NM_001987.5 (MANE Select); 5 bases into the intron after coding-DNA position 1152, A replaced by G.
Molecular consequence: intron variant.
Genome position (GRCh38, 1-based): chr12:11,884,592, A>G. VCF-style: chr12-11884592-A-G. GRCh37 (hg19) VCF-style: chr12-12037526-A-G.
Other names: p.?.
Identifiers: ClinVar variation 435099 (VCV000435099.20), dbSNP rs201196326, ClinGen allele CA6454407.
Genomic context (GRCh38, chr12:11,884,592, plus strand): 5'-AAATATTCCGGATAGTGGATCCCAACGGACTGGCTCGACTGTGGGGAAACCATAAGGTAA[A>G]AGGGCAGCAGATATCTGCTCCATAAACTAGTGCCAAAATGAAGTCCTTATCCCTGGATTG-3'

ClinVar aggregate classification (germline): Conflicting classifications of pathogenicity. Review status: criteria provided, conflicting classifications (1 of 4 stars). 6 submissions from 6 submitters: Uncertain significance (1); Likely benign (5). Last evaluated 2026-01-17.

Conditions:
Inborn genetic diseases. Identifiers: MedGen C0950123, MeSH D030342.
Thrombocytopenia 5 (THC5). Also called: THROMBOCYTOPENIA 5 WITH INCREASED SUSCEPTIBILITY TO MALIGNANCY; THROMBOCYTOPENIA, AUTOSOMAL DOMINANT, 5. Identifiers: MedGen C4015537, MONDO:0014536, OMIM 616216.

Allele frequency attached by ClinVar (database versions not stated): gnomAD exomes 0.00018 and 0.00029; ExAC 0.00026; gnomAD 0.00082 and 0.00088; TOPMed 0.00092; 1000 Genomes Project 30x 0.00094; ESP Exome Variant Server 0.00069; 1000 Genomes Project 0.00100.
gnomAD v4.1: 414 of 1,614,052 alleles (0.026%); highest among the groups gnomAD compares: African/African-American, 0.22%; no homozygotes.

Submissions (6):

Labcorp Genetics (formerly Invitae), Labcorp
Classification: Likely benign. Last evaluated: 2026-01-17. Review status: criteria provided, single submitter. Criteria: Invitae Variant Classification Sherloc (09022015). Collection method: clinical testing. Allele origin: germline.

Mayo Clinic Laboratories, Mayo Clinic
Classification: Likely benign. Last evaluated: 2025-04-11. Review status: criteria provided, single submitter. Criteria: ACMG Guidelines, 2015. Collection method: clinical testing. Allele origin: germline. Observed: 1 variant allele.
Comment: BP4, BP7

Blueprint Genetics
Classification: Likely benign. Last evaluated: 2024-11-20. Review status: criteria provided, single submitter. Criteria: ACMG Guidelines, 2015. Collection method: clinical testing. Allele origin: germline.

Ambry Genetics
Classification: Likely benign for Inborn genetic diseases. Last evaluated: 2024-10-28. Review status: criteria provided, single submitter. Criteria: Ambry Variant Classification Scheme 2023. Collection method: clinical testing. Allele origin: germline.

Baylor Genetics
Classification: Uncertain significance for Thrombocytopenia 5. Last evaluated: 2019-01-13. Review status: criteria provided, single submitter. Criteria: ACMG Guidelines, 2015. Collection method: clinical testing. Allele origin: paternal. Affected: yes. Study: CSER-TexasKidsCanSeq.
Comment: This variant was determined to be of uncertain significance according to ACMG Guidelines, 2015 [PMID:25741868].

Genetic Services Laboratory, University of Chicago
Classification: Likely benign. Last evaluated: 2016-10-11. Review status: criteria provided, single submitter. Criteria: ACMG Guidelines, 2015. Collection method: clinical testing. Allele origin: germline. Affected: no.